The following is an entry in ClinVar:

ClinVar aggregate classification (germline): Benign/Likely benign. Review status: criteria provided, multiple submitters, no conflicts (2 of 4 stars). 4 submissions from 4 submitters: Benign (1); Likely benign (3). Last evaluated 2025-05-30.

Conditions:
Hereditary cancer-predisposing syndrome. Also called: Neoplastic Syndromes, Hereditary; Hereditary neoplastic syndrome; Hereditary Cancer Syndrome; Tumor predisposition. Identifiers: Orphanet 140162, MedGen C0027672, MeSH D009386, MONDO:0015356.
Tuberous sclerosis 2 (TSC2). Identifiers: Orphanet 805, MedGen C1860707, MONDO:0013199, OMIM 613254.
Tuberous sclerosis syndrome (TSC). Also called: Tuberous Sclerosis Complex; Tuberous sclerosis. Identifiers: Orphanet 805, MedGen C0041341, MONDO:0001734.

Allele frequency attached by ClinVar (database versions not stated): gnomAD exomes below 0.00001; ExAC 0.00001.
gnomAD v4.1: 3 of 1,612,462 alleles (0.00019%); highest among the groups gnomAD compares: Non-Finnish European, 0.00025%; no homozygotes.

Submissions (4):

Myriad Genetics, Inc.
Classification: Benign for Tuberous sclerosis 2. Last evaluated: 2025-05-30. Review status: criteria provided, single submitter. Criteria: Myriad Autosomal Dominant, Autosomal Recessive and X-Linked Classification Criteria (2023). Collection method: clinical testing. Allele origin: unknown.
Comment: This variant is considered benign. This variant is a silent/synonymous amino acid change and it is not expected to impact splicing.

Labcorp Genetics (formerly Invitae), Labcorp
Classification: Likely benign for Tuberous sclerosis 2. Last evaluated: 2024-12-24. Review status: criteria provided, single submitter. Criteria: Invitae Variant Classification Sherloc (09022015). Collection method: clinical testing. Allele origin: germline.

All of Us Research Program, National Institutes of Health
Classification: Likely benign for Tuberous sclerosis syndrome. Last evaluated: 2024-04-16. Review status: criteria provided, single submitter. Criteria: ACMG Guidelines, 2015. Collection method: clinical testing. Allele origin: germline. Inheritance: Autosomal dominant inheritance. Observed: 1 variant allele, 1 heterozygote.
Comment: This study involves interpretation of variants in research participants for the purpose of population health screening. Participant phenotype was not available at the time of variant classification. Additional details can be found in publication PMID: 35346344, PMCID: PMC8962531

Ambry Genetics
Classification: Likely benign for Hereditary cancer-predisposing syndrome. Last evaluated: 2022-06-20. Review status: criteria provided, single submitter. Criteria: Ambry Variant Classification Scheme 2023. Collection method: clinical testing. Allele origin: germline.

NM_000548.5(TSC2):c.3786A>G (p.Lys1262=)

Gene: TSC2 (TSC complex subunit 2; plus strand). Cytogenetic location: 16p13.3.
Variant type: single nucleotide variant.
Coding change: c.3786A>G on transcript NM_000548.5 (MANE Select); coding-DNA position 3786, A replaced by G.
Protein change: p.Lys1262=; no amino-acid change (lysine 1262 retained).
Molecular consequence: synonymous variant.
Genome position (GRCh38, 1-based): chr16:2,081,770, A>G. VCF-style: chr16-2081770-A-G. GRCh37 (hg19) VCF-style: chr16-2131771-A-G.
Other names: c.3654A>G, p.Lys1218= (NM_001077183.3, NM_001370404.1); c.3786A>G, p.Lys1262= (NM_001114382.3); c.3546A>G, p.Lys1182= (NM_001318827.2); c.3510A>G, p.Lys1170= (NM_001318829.2); c.3054A>G, p.Lys1018= (NM_001318831.2); c.3687A>G, p.Lys1229= (NM_001318832.2); c.3657A>G, p.Lys1219= (NM_001363528.2, NM_001370405.1, NM_021055.3).
Identifiers: ClinVar variation 1586247 (VCV001586247.12), dbSNP rs752513898, ClinGen allele CA048417.